The following is an entry in ClinVar:

ClinVar aggregate classification (germline): Conflicting classifications of pathogenicity. Review status: criteria provided, conflicting classifications (1 of 4 stars). 2 submissions from 2 submitters: Uncertain significance (1); Likely benign (1). Last evaluated 2025-08-12.

Conditions:
Inborn genetic diseases. Identifiers: MedGen C0950123, MeSH D030342.

Allele frequency attached by ClinVar (database versions not stated): gnomAD exomes 0.00002; ExAC 0.00005; ESP Exome Variant Server 0.00008; gnomAD 0.00030; TOPMed 0.00031; 1000 Genomes Project 0.00040; 1000 Genomes Project 30x 0.00047.
gnomAD v4.1: 74 of 1,610,232 alleles (0.0046%); highest among the groups gnomAD compares: African/African-American, 0.079%; no homozygotes.

Submissions (2):

Ambry Genetics
Classification: Likely benign for Inborn genetic diseases. Last evaluated: 2025-08-12. Review status: criteria provided, single submitter. Criteria: Ambry Variant Classification Scheme 2023. Collection method: clinical testing. Allele origin: germline.

Labcorp Genetics (formerly Invitae), Labcorp
Classification: Uncertain significance. Last evaluated: 2022-08-19. Review status: criteria provided, single submitter. Criteria: Invitae Variant Classification Sherloc (09022015). Collection method: clinical testing. Allele origin: germline.
Comment: Algorithms developed to predict the effect of missense changes on protein structure and function output the following: SIFT: "Tolerated"; PolyPhen-2: "Benign"; Align-GVGD: "Class C0". The arginine amino acid residue is found in multiple mammalian species, which suggests that this missense change does not adversely affect protein function. This variant has not been reported in the literature in individuals affected with USP53-related conditions. This variant is present in population databases (rs189360551, gnomAD 0.08%). This sequence change replaces lysine, which is basic and polar, with arginine, which is basic and polar, at codon 427 of the USP53 protein (p.Lys427Arg). In summary, the available evidence is currently insufficient to determine the role of this variant in disease. Therefore, it has been classified as a Variant of Uncertain Significance.

NM_001371395.1(USP53):c.1280A>G (p.Lys427Arg)

Gene: USP53 (ubiquitin specific peptidase 53; plus strand). Cytogenetic location: 4q26.
Variant type: single nucleotide variant.
Coding change: c.1280A>G on transcript NM_001371395.1 (MANE Select); coding-DNA position 1280, A replaced by G.
Protein change: p.Lys427Arg; replaces lysine 427 with arginine.
Molecular consequence: missense variant. On other transcripts: intron variant (4).
Genome position (GRCh38, 1-based): chr4:119,268,412, A>G. VCF-style: chr4-119268412-A-G. GRCh37 (hg19) VCF-style: chr4-120189567-A-G.
Other names: c.1280A>G, p.Lys427Arg (NM_001371397.1, NM_001371398.1, NM_001371399.1 and 3 more transcripts); c.1130A>G, p.Lys377Arg (NM_001389660.1); c.932A>G, p.Lys311Arg (NM_001389662.1, NM_001389663.1, NM_001389664.1 and 1 more transcripts); c.1135+930A>G (NM_001389661.1, NM_001371396.1); c.787+930A>G (NM_001389667.1, NM_001389665.1); c.1280A>G (NM_019050.2); short protein forms K427R, K311R, K377R.
Identifiers: ClinVar variation 2190885 (VCV002190885.3), dbSNP rs189360551, ClinGen allele CA3059114.
Genomic context (GRCh38, chr4:119,268,412, plus strand): 5'-AATTTCCAACTGATAATATTTCATCATCTAATCGGAGCCACAGTCACACAGGTGTAGGGA[A>G]AGGACCAGGTATGTGTTTAAATTGTCATTTTTACATAGTTCCAAGTGAGTGTCCTCCTTT-3'
Protein context (NP_001358324.1, residues 417-437): NRSHSHTGVG[Lys427Arg]GPAKLSHIDQ